The following is an entry in ClinVar:

NM_017777.4(MKS1):c.704T>C (p.Val235Ala)

Gene: MKS1 (MKS transition zone complex subunit 1; minus strand). Cytogenetic location: 17q22.
Variant type: single nucleotide variant.
Coding change: c.704T>C on transcript NM_017777.4 (MANE Select); coding-DNA position 704, T replaced by C.
Protein change: p.Val235Ala; replaces valine 235 with alanine.
Molecular consequence: missense variant.
Genome position (GRCh38, 1-based): chr17:58,213,810, A>G on the plus strand (T>C on the coding strand, the complement: MKS1 is on the minus strand). VCF-style: chr17-58213810-A-G. GRCh37 (hg19) VCF-style: chr17-56291171-A-G.
Other names: c.95T>C, p.Val32Ala (NM_001321268.2); c.704T>C, p.Val235Ala (NM_001321269.2, NM_001330397.2); short protein forms V32A, V235A.
Identifiers: ClinVar variation 1425814 (VCV001425814.6), dbSNP rs557691735, ClinGen allele CA292013220.

ClinVar aggregate classification (germline): Uncertain significance (1 of 4 stars; one submission).

Conditions:
Joubert syndrome. Also called: CEREBELLOPARENCHYMAL DISORDER IV; JOUBERT-BOLTSHAUSER SYNDROME; Familial aplasia of the vermis. Identifiers: Orphanet 475, MedGen C5979921, MONDO:0018772.
Meckel-Gruber syndrome. Also called: DYSENCEPHALIA SPLANCHNOCYSTICA; GRUBER SYNDROME; Dysencephalia splachnocystica. Identifiers: Orphanet 564, MedGen C0265215, MONDO:0018921.

Allele frequency attached by ClinVar (database versions not stated): gnomAD exomes below 0.00001 and 0.00001; gnomAD 0.00001; 1000 Genomes Project 30x 0.00016; 1000 Genomes Project 0.00020.
gnomAD v4.1: 12 of 1,614,106 alleles (0.00074%); highest among the groups gnomAD compares: Non-Finnish European, 0.001%; no homozygotes.

Submission:

Labcorp Genetics (formerly Invitae), Labcorp
Classification: Uncertain significance for Joubert syndrome; Meckel-Gruber syndrome. Last evaluated: 2021-08-17. Review status: criteria provided, single submitter. Criteria: Invitae Variant Classification Sherloc (09022015). Collection method: clinical testing. Allele origin: germline.
Comment: This sequence change replaces valine with alanine at codon 235 of the MKS1 protein (p.Val235Ala). The valine residue is highly conserved and there is a small physicochemical difference between valine and alanine. This variant is not present in population databases (ExAC no frequency). This variant has not been reported in the literature in individuals affected with MKS1-related conditions. Algorithms developed to predict the effect of missense changes on protein structure and function are either unavailable or do not agree on the potential impact of this missense change (SIFT: "Tolerated"; PolyPhen-2: "Possibly Damaging"; Align-GVGD: "Class C0"). In summary, the available evidence is currently insufficient to determine the role of this variant in disease. Therefore, it has been classified as a Variant of Uncertain Significance.